The following is an entry in ClinVar:

ClinVar aggregate classification (germline): Pathogenic (1 of 4 stars; one submission).

Conditions:
Polycystic kidney disease, adult type (PKD1). Also called: POLYCYSTIC KIDNEY DISEASE 1 WITH OR WITHOUT POLYCYSTIC LIVER DISEASE; Polycystic Kidney Disease 1, Autosomal Dominant; Polycystic kidney disease 1; Polycystic kidney disease 1, severe; Polycystic Kidney, Autosomal Dominant; POLYCYSTIC KIDNEY DISEASE, ADULT, TYPE I. Identifiers: MedGen C3149841, MONDO:0008263, OMIM 173900.

Submission:

Cavalleri Lab, Royal College of Surgeons in Ireland
Classification: Pathogenic for Polycystic kidney disease, adult type. Last evaluated: 2020-02-05. Review status: criteria provided, single submitter. Criteria: ACMG Guidelines, 2015. Collection method: research. Allele origin: unknown. Inheritance: Autosomal dominant inheritance. Affected: yes.
Comment: PVS1, PM2, PP4

NM_001009944.3(PKD1):c.12039_12040insAC (p.Val4014fs)

Gene: PKD1 (polycystin 1, transient receptor potential channel interacting; minus strand). Cytogenetic location: 16p13.3.
Variant type: Insertion.
Coding change: c.12039_12040insAC on transcript NM_001009944.3 (MANE Select); coding-DNA positions 12039 to 12040, AC inserted.
Protein change: p.Val4014fs; shifts the reading frame from valine 4014.
Molecular consequence: frameshift variant.
Genome position: GRCh38 VCF-style: chr16-2090772-C-CGT. GRCh37 (hg19) VCF-style: chr16-2140773-C-CGT.
Other names: c.12036_12037insAC, p.Val4013fs (NM_000296.4); short protein forms V4014fs, V4013fs.
Identifiers: ClinVar variation 873365 (VCV000873365.1), dbSNP rs2091472604, ClinGen allele CA1139664266.
Genomic context (GRCh38, chr16:2,090,772, plus strand): 5'-CCAGGCCCAAGGTGACCCCCAGGAGCTCTGGCAGAGCTCGGCATAATGTCTTGCCAAAGA[C>CGT]GGACCACTGGCGCACGAAGCGTAGCTGCTGGGCAGCCTGCGGACGAGAAATCTGTCTGCT-3'